The following is an entry in ClinVar:

ClinVar aggregate classification (germline): Uncertain significance (1 of 4 stars; one submission).

Conditions:
Retinitis pigmentosa 12 (RP12). Also called: RP WITH OR WITHOUT PPRPE; RP WITH OR WITHOUT PRESERVED PARAARTERIOLE RETINAL PIGMENT EPITHELIUM; RETINITIS PIGMENTOSA WITH OR WITHOUT PARAARTERIOLAR PRESERVATION OF RETINAL PIGMENT EPITHELIUM. Identifiers: Orphanet 791, MedGen C1838647, MONDO:0010818, OMIM 600105.
Leber congenital amaurosis 8 (LCA8). Identifiers: Orphanet 65, MedGen C3151202, MONDO:0013453, OMIM 613835.

Allele frequency attached by ClinVar (database versions not stated): ExAC 0.00001; gnomAD exomes 0.00001; TOPMed 0.00001; gnomAD 0.00003.
gnomAD v4.1: 22 of 1,613,828 alleles (0.0014%); highest among the groups gnomAD compares: Non-Finnish European, 0.0019%; no homozygotes.

Submission:

Labcorp Genetics (formerly Invitae), Labcorp
Classification: Uncertain significance for Leber congenital amaurosis 8; Retinitis pigmentosa 12. Last evaluated: 2021-08-30. Review status: criteria provided, single submitter. Criteria: Invitae Variant Classification Sherloc (09022015). Collection method: clinical testing. Allele origin: germline.
Comment: This sequence change replaces threonine with isoleucine at codon 1033 of the CRB1 protein (p.Thr1033Ile). The threonine residue is weakly conserved and there is a moderate physicochemical difference between threonine and isoleucine. This variant is present in population databases (rs778604058, ExAC 0.002%). This variant has not been reported in the literature in individuals affected with CRB1-related conditions. Algorithms developed to predict the effect of missense changes on protein structure and function output the following: SIFT: "Tolerated"; PolyPhen-2: "Benign"; Align-GVGD: "Class C0". The isoleucine amino acid residue is found in multiple mammalian species, which suggests that this missense change does not adversely affect protein function. In summary, the available evidence is currently insufficient to determine the role of this variant in disease. Therefore, it has been classified as a Variant of Uncertain Significance.

NM_201253.3(CRB1):c.3098C>T (p.Thr1033Ile)

Gene: CRB1 (crumbs cell polarity complex component 1; plus strand). Cytogenetic location: 1q31.3.
Variant type: single nucleotide variant.
Coding change: c.3098C>T on transcript NM_201253.3 (MANE Select); coding-DNA position 3098, C replaced by T.
Protein change: p.Thr1033Ile; replaces threonine 1033 with isoleucine.
Molecular consequence: missense variant. On other transcripts: non-coding transcript variant (2), intron variant (1).
Genome position (GRCh38, 1-based): chr1:197,434,961, C>T. VCF-style: chr1-197434961-C-T. GRCh37 (hg19) VCF-style: chr1-197404091-C-T.
Other names: c.2762C>T, p.Thr921Ile (NM_001193640.2); c.3026C>T, p.Thr1009Ile (NM_001257965.2); c.2129-639C>T (NM_001257966.2); short protein forms T1009I, T1033I, T921I.
Identifiers: ClinVar variation 2156712 (VCV002156712.1), dbSNP rs778604058, ClinGen allele CA1312274.